The following is an entry in ClinVar:

ClinVar aggregate classification (germline): Benign/Likely benign. Review status: criteria provided, multiple submitters, no conflicts (2 of 4 stars). 2 submissions from 2 submitters: Benign (1); Likely benign (1). Last evaluated 2026-04-10.

Conditions:
DICER1-related tumor predisposition. Also called: DICER1-related pleuropulmonary blastoma cancer predisposition syndrome; DICER1 syndrome. Identifiers: Orphanet 284343, MedGen C3839822, MONDO:0100216.

Submissions (2):

Myriad Genetics, Inc.
Classification: Likely benign for DICER1-related tumor predisposition. Last evaluated: 2026-04-10. Review status: criteria provided, single submitter. Criteria: Myriad Autosomal Dominant, Autosomal Recessive and X-Linked Classification Criteria (2023). Collection method: clinical testing. Allele origin: unknown.
Comment: This variant is considered likely benign. This variant is intronic and is not expected to impact mRNA splicing.

Labcorp Genetics (formerly Invitae), Labcorp
Classification: Benign for DICER1-related tumor predisposition. Last evaluated: 2025-11-27. Review status: criteria provided, single submitter. Criteria: Invitae Variant Classification Sherloc (09022015). Collection method: clinical testing. Allele origin: germline.

NM_177438.3(DICER1):c.904-5dup

Gene: DICER1 (dicer 1, ribonuclease III; minus strand). Cytogenetic location: 14q32.13.
Variant type: Duplication.
Coding change: c.904-5dup on transcript NM_177438.3 (MANE Select); 5 bases into the intron before coding-DNA position 904, one base duplicated (T; older notation c.904-5dupT).
Molecular consequence: intron variant.
Genome position (GRCh38, 1-based): chr14:95,124,673, A duplicated on the plus strand (T on the coding strand, the reverse complement: DICER1 is on the minus strand); the first of 8 consecutive A bases (chr14:95,124,673-95,124,680); duplicating any one gives the same sequence. VCF-style (leftmost placement, unchanged base first): chr14-95124672-C-CA. GRCh37 (hg19) VCF-style: chr14-95591009-C-CA.
Other names: c.904-5dupT (NM_177438.2); c.904-5dup (NM_001291628.2, NM_030621.4, NM_001271282.3 and 1 more transcripts).
Identifiers: ClinVar variation 417133 (VCV000417133.12), dbSNP rs769549511, ClinGen allele CA7331548.